The following is an entry in ClinVar:

NM_000090.4(COL3A1):c.3823+3A>G

Gene: COL3A1 (collagen type III alpha 1 chain; plus strand). Cytogenetic location: 2q32.2.
Variant type: single nucleotide variant.
Coding change: c.3823+3A>G on transcript NM_000090.4 (MANE Select); 3 bases into the intron after coding-DNA position 3823, A replaced by G.
Molecular consequence: intron variant.
Genome position (GRCh38, 1-based): chr2:189,009,224, A>G. VCF-style: chr2-189009224-A-G. GRCh37 (hg19) VCF-style: chr2-189873950-A-G.
Identifiers: ClinVar variation 3074054 (VCV003074054.1), dbSNP rs1688666817, ClinGen allele CA1315405635.
Genomic context (GRCh38, chr2:189,009,224, plus strand): 5'-AAAAACCCCGCTAGAAACTGCAGAGACCTGAAATTCTGCCATCCTGAACTCAAGAGTGGT[A>G]TGTTTGGTAGTCTTTCATCTTCATGGCAATAGGATTACAGAGAAAGCTGCTTAGATTAGA-3'

ClinVar aggregate classification (germline): Uncertain significance (1 of 4 stars; one submission).

Conditions:
Ehlers-Danlos syndrome, type 4 (EDSVASC). Also called: Ehlers-Danlos Syndrome Type IV; Ehlers-Danlos syndrome vascular type; Ehlers Danlos syndrome, ecchymotic type; Ehlers Danlos syndrome, arterial type; Ehlers Danlos syndrome, Sack-Barabas type. Identifiers: Orphanet 286, MedGen C0268338, MONDO:0017314, OMIM 130050.

Allele frequency attached by ClinVar (database versions not stated): gnomAD exomes below 0.00001; TOPMed below 0.00001.
gnomAD v4.1: 2 of 1,614,112 alleles (0.00012%); highest among the groups gnomAD compares: Non-Finnish European, 0.00017%; no homozygotes.

Submission:

All of Us Research Program, National Institutes of Health
Classification: Uncertain significance for Ehlers-Danlos syndrome, type 4. Last evaluated: 2023-10-23. Review status: criteria provided, single submitter. Criteria: ACMG Guidelines, 2015. Collection method: clinical testing. Allele origin: germline. Inheritance: Autosomal dominant inheritance. Observed: 1 variant allele, 1 heterozygote.
Comment: This variant causes an A to G nucleotide substitution at the +3 position of intron 48 of the COL3A1 gene. Splice site prediction tools predict that this variant may have a significant impact on RNA splicing. This prediction has not been confirmed in published RNA studies. This variant has not been reported in individuals affected with COL3A1-related disorders in the literature. This variant has not been identified in the general population by the Genome Aggregation Database (gnomAD). The available evidence is insufficient to determine the role of this variant in disease conclusively. Therefore, this variant is classified as a Variant of Uncertain Significance.

This study involves interpretation of variants in research participants for the purpose of population health screening. Participant phenotype was not available at the time of variant classification. Additional details can be found in publication PMID: 35346344, PMCID: PMC8962531